The following is an entry in ClinVar:

NM_015602.4(TOR1AIP1):c.1381G>T (p.Val461Leu)

Gene: TOR1AIP1 (torsin 1A interacting protein 1; plus strand). Cytogenetic location: 1q25.2.
Variant type: single nucleotide variant.
Coding change: c.1381G>T on transcript NM_015602.4 (MANE Select); coding-DNA position 1381, G replaced by T.
Protein change: p.Val461Leu; replaces valine 461 with leucine.
Molecular consequence: missense variant.
Genome position (GRCh38, 1-based): chr1:179,917,868, G>T. VCF-style: chr1-179917868-G-T. GRCh37 (hg19) VCF-style: chr1-179887003-G-T.
Other names: c.1381G>T (NM_015602.2); c.1384G>T, p.Val462Leu (NM_001267578.2); short protein forms V461L, V462L.
Identifiers: ClinVar variation 847191 (VCV000847191.7), dbSNP rs368563369, ClinGen allele CA1269139.

ClinVar aggregate classification (germline): Uncertain significance. Review status: criteria provided, multiple submitters, no conflicts (2 of 4 stars). 3 submissions from 3 submitters: Uncertain significance (3). Last evaluated 2025-07-31.

Conditions:
Autosomal recessive limb-girdle muscular dystrophy type 2Y (MRRSDC). Also called: Muscular dystrophy, limb-girdle, type 2y; Muscular dystrophy, autosomal recessive, with rigid spine and distal joint contractures. Identifiers: Orphanet 424261, MedGen C4511482, MONDO:0014900, OMIM 617072.
Inborn genetic diseases. Identifiers: MedGen C0950123, MeSH D030342.

Allele frequency attached by ClinVar (database versions not stated): ExAC 0.00005; gnomAD 0.00006 and 0.00008; gnomAD exomes 0.00006; ESP Exome Variant Server 0.00008; TOPMed 0.00013.
gnomAD v4.1: 111 of 1,614,092 alleles (0.0069%); highest among the groups gnomAD compares: Admixed American, 0.018%; no homozygotes.

Submissions (3):

GeneDx
Classification: Uncertain significance. Last evaluated: 2025-07-31. Review status: criteria provided, single submitter. Criteria: GeneDx Variant Classification Process June 2021. Collection method: clinical testing. Allele origin: germline. Affected: yes.
Comment: In silico analysis supports that this missense variant has a deleterious effect on protein structure/function; Has not been previously published as pathogenic or benign to our knowledge

Ambry Genetics
Classification: Uncertain significance for Inborn genetic diseases. Last evaluated: 2025-04-02. Review status: criteria provided, single submitter. Criteria: Ambry Variant Classification Scheme 2023. Collection method: clinical testing. Allele origin: germline.

Labcorp Genetics (formerly Invitae), Labcorp
Classification: Uncertain significance for Autosomal recessive limb-girdle muscular dystrophy type 2Y. Last evaluated: 2022-08-16. Review status: criteria provided, single submitter. Criteria: Invitae Variant Classification Sherloc (09022015). Collection method: clinical testing. Allele origin: germline.
Comment: This sequence change replaces valine, which is neutral and non-polar, with leucine, which is neutral and non-polar, at codon 462 of the TOR1AIP1 protein (p.Val462Leu). This variant is present in population databases (rs368563369, gnomAD 0.01%). This variant has not been reported in the literature in individuals affected with TOR1AIP1-related conditions. ClinVar contains an entry for this variant (Variation ID: 847191). Algorithms developed to predict the effect of missense changes on protein structure and function are either unavailable or do not agree on the potential impact of this missense change (SIFT: "Tolerated"; PolyPhen-2: "Possibly Damaging"; Align-GVGD: "Class C0"). In summary, the available evidence is currently insufficient to determine the role of this variant in disease. Therefore, it has been classified as a Variant of Uncertain Significance.